The following is an entry in ClinVar:

ClinVar aggregate classification (germline): Uncertain significance (1 of 4 stars; one submission).

Conditions:
Baller-Gerold syndrome (BGS). Also called: CRANIOSYNOSTOSIS WITH RADIAL DEFECTS. Identifiers: Orphanet 1225, MedGen C0265308, MONDO:0009039, OMIM 218600.

Allele frequency attached by ClinVar (database versions not stated): gnomAD exomes below 0.00001; ExAC 0.00001.
gnomAD v4.1: 10 of 1,604,910 alleles (0.00062%); highest among the groups gnomAD compares: East Asian, 0.0022%; no homozygotes.

Submission:

Labcorp Genetics (formerly Invitae), Labcorp
Classification: Uncertain significance for Baller-Gerold syndrome. Last evaluated: 2025-07-13. Review status: criteria provided, single submitter. Criteria: Invitae Variant Classification Sherloc (09022015). Collection method: clinical testing. Allele origin: germline.
Comment: This sequence change replaces glutamic acid, which is acidic and polar, with lysine, which is basic and polar, at codon 918 of the RECQL4 protein (p.Glu918Lys). This variant is not present in population databases (gnomAD no frequency). This variant has not been reported in the literature in individuals affected with RECQL4-related conditions. ClinVar contains an entry for this variant (Variation ID: 658034). Invitae Evidence Modeling of protein sequence and biophysical properties (such as structural, functional, and spatial information, amino acid conservation, physicochemical variation, residue mobility, and thermodynamic stability) indicates that this missense variant is expected to disrupt RECQL4 protein function with a positive predictive value of 80%. In summary, the available evidence is currently insufficient to determine the role of this variant in disease. Therefore, it has been classified as a Variant of Uncertain Significance.

NM_004260.4(RECQL4):c.2752G>A (p.Glu918Lys)

Gene: RECQL4 (RecQ like helicase 4; minus strand). Cytogenetic location: 8q24.3.
Variant type: single nucleotide variant.
Coding change: c.2752G>A on transcript NM_004260.4 (MANE Select); coding-DNA position 2752, G replaced by A.
Protein change: p.Glu918Lys; replaces glutamic acid 918 with lysine.
Molecular consequence: missense variant.
Genome position (GRCh38, 1-based): chr8:144,512,850, C>T on the plus strand (G>A on the coding strand, the complement: RECQL4 is on the minus strand). VCF-style: chr8-144512850-C-T. GRCh37 (hg19) VCF-style: chr8-145738233-C-T.
Other names: short protein forms E918K.
Identifiers: ClinVar variation 658034 (VCV000658034.5), dbSNP rs762028333, ClinGen allele CA4948123.